The following is an entry in ClinVar:

NM_006892.4(DNMT3B):c.739A>G (p.Lys247Glu)

Gene: DNMT3B (DNA methyltransferase 3 beta; plus strand). Cytogenetic location: 20q11.21.
Variant type: single nucleotide variant.
Coding change: c.739A>G on transcript NM_006892.4 (MANE Select); coding-DNA position 739, A replaced by G.
Protein change: p.Lys247Glu; replaces lysine 247 with glutamic acid.
Molecular consequence: missense variant.
Genome position (GRCh38, 1-based): chr20:32,788,938, A>G. VCF-style: chr20-32788938-A-G. GRCh37 (hg19) VCF-style: chr20-31376744-A-G.
Other names: c.613A>G, p.Lys205Glu (NM_001207055.2); c.511A>G, p.Lys171Glu (NM_001207056.2); c.739A>G, p.Lys247Glu (NM_175848.2, NM_175849.2); c.775A>G, p.Lys259Glu (NM_175850.3); short protein forms K171E, K205E, K247E, K259E.
Identifiers: ClinVar variation 2077645 (VCV002077645.1), dbSNP rs780710615, ClinGen allele CA9810300.

ClinVar aggregate classification (germline): Uncertain significance (1 of 4 stars; one submission).

Conditions:
Centromeric instability of chromosomes 1,9 and 16 and immunodeficiency (ICF1). Also called: IMMUNE DEFICIENCY, VARIABLE, WITH CENTROMERIC INSTABILITY OF CHROMOSOMES 1, 9, AND 16; IMMUNODEFICIENCY SYNDROME, VARIABLE; Immunodeficiency-centromeric instability-facial anomalies; CENTROMERIC INSTABILITY, IMMUNODEFICIENCY SYNDROME. Identifiers: Orphanet 2268, MedGen C0398788, MONDO:0000133.

Allele frequency attached by ClinVar (database versions not stated): TOPMed below 0.00001; gnomAD 0.00001; gnomAD exomes 0.00002; ExAC 0.00003.
gnomAD v4.1: 29 of 1,613,942 alleles (0.0018%); highest among the groups gnomAD compares: South Asian, 0.03%; no homozygotes.

Submission:

Labcorp Genetics (formerly Invitae), Labcorp
Classification: Uncertain significance for Centromeric instability of chromosomes 1,9 and 16 and immunodeficiency. Last evaluated: 2022-06-15. Review status: criteria provided, single submitter. Criteria: Invitae Variant Classification Sherloc (09022015). Collection method: clinical testing. Allele origin: germline.
Comment: This sequence change replaces lysine, which is basic and polar, with glutamic acid, which is acidic and polar, at codon 247 of the DNMT3B protein (p.Lys247Glu). This variant is present in population databases (rs780710615, gnomAD 0.03%). This variant has not been reported in the literature in individuals affected with DNMT3B-related conditions. Algorithms developed to predict the effect of missense changes on protein structure and function are either unavailable or do not agree on the potential impact of this missense change (SIFT: "Deleterious"; PolyPhen-2: "Probably Damaging"; Align-GVGD: "Class C15"). In summary, the available evidence is currently insufficient to determine the role of this variant in disease. Therefore, it has been classified as a Variant of Uncertain Significance.